The following is an entry in ClinVar:

ClinVar aggregate classification (germline): Uncertain significance (1 of 4 stars; one submission).

Conditions:
Hereditary sensory and autonomic neuropathy type 7. Also called: Neuropathy, hereditary sensory and autonomic, type VII; HSAN VII. Identifiers: Orphanet 391397, MedGen C3809882, MONDO:0014244, OMIM 615548.
Familial episodic pain syndrome with predominantly lower limb involvement. Also called: Episodic pain syndrome, familial, 3. Identifiers: Orphanet 391384, Orphanet 391392, MedGen C3809899, MONDO:0014247, OMIM 615552.

Submission:

Labcorp Genetics (formerly Invitae), Labcorp
Classification: Uncertain significance for Familial episodic pain syndrome with predominantly lower limb involvement; Hereditary sensory and autonomic neuropathy type 7. Last evaluated: 2022-05-07. Review status: criteria provided, single submitter. Criteria: Invitae Variant Classification Sherloc (09022015). Collection method: clinical testing. Allele origin: germline.
Comment: In summary, the available evidence is currently insufficient to determine the role of this variant in disease. Therefore, it has been classified as a Variant of Uncertain Significance. Algorithms developed to predict the effect of missense changes on protein structure and function (SIFT, PolyPhen-2, Align-GVGD) all suggest that this variant is likely to be disruptive. This variant has not been reported in the literature in individuals affected with SCN11A-related conditions. This variant is not present in population databases (gnomAD no frequency). This sequence change replaces leucine, which is neutral and non-polar, with arginine, which is basic and polar, at codon 1494 of the SCN11A protein (p.Leu1494Arg).

NM_001349253.2(SCN11A):c.4481T>G (p.Leu1494Arg)

Gene: SCN11A (sodium voltage-gated channel alpha subunit 11; minus strand). Cytogenetic location: 3p22.2.
Variant type: single nucleotide variant.
Coding change: c.4481T>G on transcript NM_001349253.2 (MANE Select); coding-DNA position 4481, T replaced by G.
Protein change: p.Leu1494Arg; replaces leucine 1494 with arginine.
Molecular consequence: missense variant.
Genome position (GRCh38, 1-based): chr3:38,847,589, A>C on the plus strand (T>G on the coding strand, the complement: SCN11A is on the minus strand). VCF-style: chr3-38847589-A-C. GRCh37 (hg19) VCF-style: chr3-38889080-A-C.
Other names: c.4481T>G, p.Leu1494Arg (NM_014139.3); short protein forms L1494R.
Identifiers: ClinVar variation 2134981 (VCV002134981.4), dbSNP rs2470967709, ClinGen allele CA352163682.
Genomic context (GRCh38, chr3:38,847,589, plus strand): 5'-AGAATGGCATAGATAAACATAATCAGAAAGAGTAGAAGACCAATGTTGAACAGAGAAGGA[A>C]GCGACATCATCAGAGCAAAGAGGAGAGTCCTGATTCCTCGTGCAGCCCGGACAAGCCTCA-3'
Protein context (NP_001336182.1, residues 1484-1504): RTLLFALMMS[Leu1494Arg]PSLFNIGLLL